The following is an entry in ClinVar:

ClinVar aggregate classification (germline): Conflicting classifications of pathogenicity. Review status: criteria provided, conflicting classifications (1 of 4 stars). 2 submissions from 2 submitters: Uncertain significance (1); Likely benign (1). Last evaluated 2026-01-18.

Conditions:
Hypertrophic cardiomyopathy. Also called: HYPERTROPHIC MYOCARDIOPATHY. Identifiers: Orphanet 217569, MedGen C0007194, MeSH D002312, MONDO:0005045, HP:0001639.

Allele frequency attached by ClinVar (database versions not stated): gnomAD exomes 0.00007 and 0.00021; ExAC 0.00022; 1000 Genomes Project 0.00040; 1000 Genomes Project 30x 0.00047; gnomAD 0.00067 and 0.00076; TOPMed 0.00078; ESP Exome Variant Server 0.00116.
gnomAD v4.1: 208 of 1,613,772 alleles (0.013%); highest among the groups gnomAD compares: African/African-American, 0.25%; no homozygotes.

Submissions (2):

Labcorp Genetics (formerly Invitae), Labcorp
Classification: Likely benign for Hypertrophic cardiomyopathy. Last evaluated: 2026-01-18. Review status: criteria provided, single submitter. Criteria: Invitae Variant Classification Sherloc (09022015). Collection method: clinical testing. Allele origin: germline.

Ambry Genetics
Classification: Uncertain significance. Last evaluated: 2025-04-14. Review status: criteria provided, single submitter. Criteria: Ambry Variant Classification Scheme 2023. Collection method: clinical testing. Allele origin: germline.
Comment: The p.L605V variant (also known as c.1813C>G), located in coding exon 11 of the MYOM1 gene, results from a C to G substitution at nucleotide position 1813. The leucine at codon 605 is replaced by valine, an amino acid with highly similar properties. This amino acid position is conserved. In addition, this alteration is predicted to be tolerated by in silico analysis. Since supporting evidence is limited at this time, the clinical significance of this alteration remains unclear.

NM_003803.4(MYOM1):c.1813C>G (p.Leu605Val)

Gene: MYOM1 (myomesin 1; minus strand). Cytogenetic location: 18p11.31.
Variant type: single nucleotide variant.
Coding change: c.1813C>G on transcript NM_003803.4 (MANE Select); coding-DNA position 1813, C replaced by G.
Protein change: p.Leu605Val; replaces leucine 605 with valine.
Molecular consequence: missense variant.
Genome position (GRCh38, 1-based): chr18:3,151,724, G>C on the plus strand (C>G on the coding strand, the complement: MYOM1 is on the minus strand). VCF-style: chr18-3151724-G-C. GRCh37 (hg19) VCF-style: chr18-3151722-G-C.
Other names: c.1813C>G, p.Leu605Val (NM_019856.2); short protein forms L605V.
Identifiers: ClinVar variation 454432 (VCV000454432.14), dbSNP rs200153557, ClinGen allele CA8874849.
Genomic context (GRCh38, chr18:3,151,724, plus strand): 5'-GGAAGGTCCTGAAAAATGAAAAGTGCTTACTTTTAAGTCTAGCTTTCTCAGCCGGATCCA[G>C]AGCAGCCACGGGCTCGGAAACTCGAGATGGGAAACCTATTCCCATTTTATTCACAGCTCG-3'
Protein context (NP_003794.3, residues 595-615): PSRVSEPVAA[Leu605Val]DPAEKARLKS